The following is an entry in ClinVar:

NM_001852.4(COL9A2):c.1955C>T (p.Pro652Leu)

Gene: COL9A2 (collagen type IX alpha 2 chain; minus strand). Cytogenetic location: 1p34.2.
Variant type: single nucleotide variant.
Coding change: c.1955C>T on transcript NM_001852.4 (MANE Select); coding-DNA position 1955, C replaced by T.
Protein change: p.Pro652Leu; replaces proline 652 with leucine.
Molecular consequence: missense variant.
Genome position (GRCh38, 1-based): chr1:40,301,297, G>A on the plus strand (C>T on the coding strand, the complement: COL9A2 is on the minus strand). VCF-style: chr1-40301297-G-A. GRCh37 (hg19) VCF-style: chr1-40766969-G-A.
Other names: short protein forms P652L.
Identifiers: ClinVar variation 2847090 (VCV002847090.3), dbSNP rs919105938, ClinGen allele CA21041054.

ClinVar aggregate classification (germline): Uncertain significance (1 of 4 stars; one submission).

gnomAD v4.1: 13 of 1,612,716 alleles (0.00081%); highest among the groups gnomAD compares: Non-Finnish European, 0.0011%; no homozygotes.

Submission:

Labcorp Genetics (formerly Invitae), Labcorp
Classification: Uncertain significance. Last evaluated: 2025-12-01. Review status: criteria provided, single submitter. Criteria: Invitae Variant Classification Sherloc (09022015). Collection method: clinical testing. Allele origin: germline.
Comment: This sequence change replaces proline, which is neutral and non-polar, with leucine, which is neutral and non-polar, at codon 652 of the COL9A2 protein (p.Pro652Leu). This variant is not present in population databases (gnomAD no frequency). This variant has not been reported in the literature in individuals affected with COL9A2-related conditions. ClinVar contains an entry for this variant (Variation ID: 2847090). Invitae Evidence Modeling of protein sequence and biophysical properties (such as structural, functional, and spatial information, amino acid conservation, physicochemical variation, residue mobility, and thermodynamic stability) indicates that this missense variant is not expected to disrupt COL9A2 protein function with a negative predictive value of 95%. In summary, the available evidence is currently insufficient to determine the role of this variant in disease. Therefore, it has been classified as a Variant of Uncertain Significance.